The following is an entry in ClinVar:

NM_015057.5(MYCBP2):c.433C>A (p.Pro145Thr)

Gene: MYCBP2 (MYC binding protein 2; minus strand). Cytogenetic location: 13q22.3.
Variant type: single nucleotide variant.
Coding change: c.433C>A on transcript NM_015057.5 (MANE Select); coding-DNA position 433, C replaced by A.
Protein change: p.Pro145Thr; replaces proline 145 with threonine.
Molecular consequence: missense variant.
Genome position (GRCh38, 1-based): chr13:77,288,322, G>T on the plus strand (C>A on the coding strand, the complement: MYCBP2 is on the minus strand). VCF-style: chr13-77288322-G-T. GRCh37 (hg19) VCF-style: chr13-77862457-G-T.
Other names: short protein forms P145T.
Identifiers: ClinVar variation 3364082 (VCV003364082.1).

ClinVar aggregate classification (germline): Uncertain significance (1 of 4 stars; one submission).

gnomAD v4.1: 1 of 1,614,026 alleles (0.000062%); highest among the groups gnomAD compares: African/African-American, 0.0013%; no homozygotes.

Submission:

GeneDx
Classification: Uncertain significance. Last evaluated: 2023-11-08. Review status: criteria provided, single submitter. Criteria: GeneDx Variant Classification Process June 2021. Collection method: clinical testing. Allele origin: germline. Affected: yes.
Comment: Not observed at significant frequency in large population cohorts (gnomAD); In silico analysis supports that this missense variant has a deleterious effect on protein structure/function; Has not been previously published as pathogenic or benign to our knowledge